The following is an entry in ClinVar:

NM_001845.6(COL4A1):c.2447C>T (p.Pro816Leu)

Gene: COL4A1 (collagen type IV alpha 1 chain; minus strand). Cytogenetic location: 13q34.
Variant type: single nucleotide variant.
Coding change: c.2447C>T on transcript NM_001845.6 (MANE Select); coding-DNA position 2447, C replaced by T.
Protein change: p.Pro816Leu; replaces proline 816 with leucine.
Molecular consequence: missense variant.
Genome position (GRCh38, 1-based): chr13:110,178,934, G>A on the plus strand (C>T on the coding strand, the complement: COL4A1 is on the minus strand). VCF-style: chr13-110178934-G-A. GRCh37 (hg19) VCF-style: chr13-110831281-G-A.
Other names: c.2447C>T (NM_001845.5); short protein forms P816L.
Identifiers: ClinVar variation 995283 (VCV000995283.17), dbSNP rs781249721, ClinGen allele CA7047597.

ClinVar aggregate classification (germline): Conflicting classifications of pathogenicity. Review status: criteria provided, conflicting classifications (1 of 4 stars). 8 submissions from 8 submitters: Uncertain significance (5); Likely benign (2). 1 of the submissions does not count toward it. Last evaluated 2026-02-04.

Conditions:
COL4A1-related disorder. Also called: COL4A1-related disorders; COL4A1-related condition. Identifiers: MedGen CN376119, MONDO:0800461.
Inborn genetic diseases. Identifiers: MedGen C0950123, MeSH D030342.
Retinal arterial tortuosity. Also called: RETINAL HEMORRHAGE WITH VASCULAR TORTUOSITY; Retinal arteries, tortuosity of. Identifiers: Orphanet 75326, MedGen C0423401, MONDO:0008373, OMIM 180000, HP:0000631.
Autosomal dominant familial hematuria-retinal arteriolar tortuosity-contractures syndrome. Also called: Hereditary Angiopathy with Nephropathy, Aneurysms, and Muscle Cramps (HANAC) Syndrome; Angiopathy, hereditary, with nephropathy, aneurysms, and muscle cramps. Identifiers: Orphanet 73229, MedGen C2673195, MONDO:0012726, OMIM 611773.
Hemorrhage, intracerebral, susceptibility to (ICH). Also called: Stroke, hemorrhagic, susceptibility to. Identifiers: MedGen C3281105, MONDO:0100533, OMIM 614519.
Brain small vessel disease 1 with or without ocular anomalies (BSVD1). Also called: BRAIN SMALL VESSEL DISEASE WITH HEMORRHAGE; GOULD SYNDROME 1; PORENCEPHALY, TYPE 1, AUTOSOMAL DOMINANT; Brain small vessel disease with or without ocular anomalies. Identifiers: Orphanet 2940, Orphanet 36383, Orphanet 99810, MedGen C4755307, MONDO:0008289, OMIM 175780.
Microangiopathy and leukoencephalopathy, pontine, autosomal dominant. Also called: Pontine autosomal dominant microangiopathy with leukoencephalopathy; DEMENTIA, HEREDITARY MULTI-INFARCT, SWEDISH TYPE. Identifiers: Orphanet 477749, MedGen C5231411, MONDO:0032814, OMIM 618564.

Allele frequency attached by ClinVar (database versions not stated): gnomAD exomes 0.00007 and 0.00016; ExAC 0.00008; gnomAD 0.00008 and 0.00009; TOPMed 0.00009.
gnomAD v4.1: 240 of 1,610,892 alleles (0.015%); highest among the groups gnomAD compares: Non-Finnish European, 0.019%; no homozygotes.

Submissions (8):

Labcorp Genetics (formerly Invitae), Labcorp
Classification: Uncertain significance. Last evaluated: 2026-02-04. Review status: criteria provided, single submitter. Criteria: Invitae Variant Classification Sherloc (09022015). Collection method: clinical testing. Allele origin: germline.
Comment: This sequence change replaces proline, which is neutral and non-polar, with leucine, which is neutral and non-polar, at codon 816 of the COL4A1 protein (p.Pro816Leu). This variant is present in population databases (rs781249721, gnomAD 0.01%). This missense change has been observed in individual(s) with clinical features of COL4A1-related conditions (PMID: 32901917). ClinVar contains an entry for this variant (Variation ID: 995283). Invitae Evidence Modeling of protein sequence and biophysical properties (such as structural, functional, and spatial information, amino acid conservation, physicochemical variation, residue mobility, and thermodynamic stability) indicates that this missense variant is not expected to disrupt COL4A1 protein function with a negative predictive value of 95%. In summary, the available evidence is currently insufficient to determine the role of this variant in disease. Therefore, it has been classified as a Variant of Uncertain Significance.

GeneDx
Classification: Uncertain significance. Last evaluated: 2024-07-03. Review status: criteria provided, single submitter. Criteria: GeneDx Variant Classification Process June 2021. Collection method: clinical testing. Allele origin: germline. Affected: yes.
Comment: Identified in a patient with cerebral palsy in published literature (PMID: 31700678); Occurs in the triple helical domain at the Y position in the canonical Gly-X-Y repeat; although this variant may have an effect on normal protein folding and function, missense substitution at the Y position is not a common mechanism of disease; In silico analysis supports that this missense variant has a deleterious effect on protein structure/function; This variant is associated with the following publications: (PMID: 32901917, 31700678)

Ambry Genetics
Classification: Likely benign for Inborn genetic diseases. Last evaluated: 2024-03-12. Review status: criteria provided, single submitter. Criteria: Ambry Variant Classification Scheme 2023. Collection method: clinical testing. Allele origin: germline.

Fulgent Genetics
Classification: Uncertain significance for Brain small vessel disease 1 with or without ocular anomalies; Retinal arterial tortuosity; Autosomal dominant familial hematuria-retinal arteriolar tortuosity-contractures syndrome; Hemorrhage, intracerebral, susceptibility to; Microangiopathy and leukoencephalopathy, pontine, autosomal dominant. Last evaluated: 2024-01-02. Review status: criteria provided, single submitter. Criteria: ACMG Guidelines, 2015. Collection method: clinical testing. Allele origin: germline.

Revvity Omics, Revvity
Classification: Uncertain significance. Last evaluated: 2023-10-23. Review status: criteria provided, single submitter. Criteria: ACMG Guidelines, 2015. Collection method: clinical testing. Allele origin: germline.

Blueprint Genetics
Classification: Likely benign. Last evaluated: 2023-05-05. Review status: criteria provided, single submitter. Criteria: ACMG Guidelines, 2015. Collection method: clinical testing. Allele origin: germline.

Athena Diagnostics
Classification: Uncertain significance. Last evaluated: 2020-06-24. Review status: criteria provided, single submitter. Criteria: Athena Diagnostics Criteria. Collection method: clinical testing. Allele origin: unknown.

PreventionGenetics, part of Exact Sciences
Classification: Uncertain significance for COL4A1-related condition. Last evaluated: 2024-07-23. Review status: no assertion criteria provided. Collection method: clinical testing. Allele origin: germline. Not counted in ClinVar's aggregate classification.
Comment: The COL4A1 c.2447C>T variant is predicted to result in the amino acid substitution p.Pro816Leu. This variant has been reported in an individual with porencephaly (Patient 189, Table S2, Seo et al. 2020. PubMed ID: 32901917). This variant is reported in 0.013% of alleles in individuals of European (Non-Finnish) descent in gnomAD, which is more common than expected for a primary cause of disease. At this time, the clinical significance of this variant is uncertain due to the absence of conclusive functional and genetic evidence.

Literature cited by the submitters: PubMed 32901917 (cited by Labcorp Genetics (formerly Invitae), Labcorp).